The following is an entry in ClinVar:

NM_001852.4(COL9A2):c.282del (p.Met95fs)

Gene: COL9A2 (collagen type IX alpha 2 chain; minus strand). Cytogenetic location: 1p34.2.
Variant type: Deletion.
Coding change: c.282del on transcript NM_001852.4 (MANE Select); coding-DNA position 282, one base deleted (C; older notation c.282delC).
Protein change: p.Met95fs; shifts the reading frame from methionine 95.
Molecular consequence: frameshift variant.
Genome position (GRCh38, 1-based): chr1:40,312,752, G deleted on the plus strand (C on the coding strand, the reverse complement: COL9A2 is on the minus strand); the first of 4 consecutive G bases (chr1:40,312,752-40,312,755); deleting any one gives the same sequence. VCF-style (leftmost placement, unchanged base first): chr1-40312751-TG-T. GRCh37 (hg19) VCF-style: chr1-40778423-TG-T.
Other names: c.282delC (NM_001852.4); short protein forms M95fs.
Identifiers: ClinVar variation 4536678 (VCV004536678.1).

ClinVar aggregate classification (germline): Pathogenic (1 of 4 stars; one submission).

Conditions:
Epiphyseal dysplasia, multiple, 2 (EDM2). Also called: COL9A2-Related Multiple Epiphyseal Dysplasia. Identifiers: MedGen C1838429, MONDO:0010844, OMIM 600204.

Submission:

Women's Health and Genetics/Laboratory Corporation of America, LabCorp
Classification: Pathogenic for Epiphyseal dysplasia, multiple, 2. Last evaluated: 2025-11-14. Review status: criteria provided, single submitter. Criteria: LabCorp Variant Classification Summary - May 2015. Collection method: clinical testing. Allele origin: germline.
Comment: Variant summary: COL9A2 c.282delC (p.Met95TrpfsX88) results in a premature termination codon, predicted to cause a truncation of the encoded protein or absence of the protein due to nonsense mediated decay, which are commonly known mechanisms for disease. The variant was absent in 158612 control chromosomes. To our knowledge, no occurrence of c.282delC in individuals affected with COL9A2-related conditions and no experimental evidence demonstrating its impact on protein function have been reported. No submitters have cited clinical-significance assessments for this variant to ClinVar. Based on the evidence outlined above, the variant was classified as pathogenic.